The following is an entry in ClinVar:

NM_000744.7(CHRNA4):c.522C>G (p.Asn174Lys)

Gene: CHRNA4 (cholinergic receptor nicotinic alpha 4 subunit; minus strand). Cytogenetic location: 20q13.33.
Variant type: single nucleotide variant.
Coding change: c.522C>G on transcript NM_000744.7 (MANE Select); coding-DNA position 522, C replaced by G.
Protein change: p.Asn174Lys; replaces asparagine 174 with lysine.
Molecular consequence: missense variant. On other transcripts: 5 prime UTR variant (1), non-coding transcript variant (1).
Genome position (GRCh38, 1-based): chr20:63,350,889, G>C on the plus strand (C>G on the coding strand, the complement: CHRNA4 is on the minus strand). VCF-style: chr20-63350889-G-C. GRCh37 (hg19) VCF-style: chr20-61982241-G-C.
Other names: c.-7C>G (NM_001256573.2); short protein forms N174K.
Identifiers: ClinVar variation 1059852 (VCV001059852.9), dbSNP rs2068586748, ClinGen allele CA409638157.

ClinVar aggregate classification (germline): Uncertain significance (1 of 4 stars; one submission).

Conditions:
Familial sleep-related hypermotor epilepsy. Also called: Autosomal Dominant Sleep-Related Hypermotor (Hyperkinetic) Epilepsy. Identifiers: Orphanet 98784, MedGen C3696898, MONDO:0000030.

Allele frequency attached by ClinVar (database versions not stated): gnomAD exomes below 0.00001.
gnomAD v4.1: 2 of 1,614,058 alleles (0.00012%); highest among the groups gnomAD compares: South Asian, 0.0011%; no homozygotes.

Submission:

Labcorp Genetics (formerly Invitae), Labcorp
Classification: Uncertain significance. Last evaluated: 2024-10-25. Review status: criteria provided, single submitter. Criteria: Invitae Variant Classification Sherloc (09022015). Collection method: clinical testing. Allele origin: germline.
Comment: This sequence change replaces asparagine, which is neutral and polar, with lysine, which is basic and polar, at codon 174 of the CHRNA4 protein (p.Asn174Lys). This variant is not present in population databases (gnomAD no frequency). This variant has not been reported in the literature in individuals affected with CHRNA4-related conditions. ClinVar contains an entry for this variant (Variation ID: 1059852). Invitae Evidence Modeling of protein sequence and biophysical properties (such as structural, functional, and spatial information, amino acid conservation, physicochemical variation, residue mobility, and thermodynamic stability) indicates that this missense variant is not expected to disrupt CHRNA4 protein function with a negative predictive value of 80%. In summary, the available evidence is currently insufficient to determine the role of this variant in disease. Therefore, it has been classified as a Variant of Uncertain Significance.